The following is an entry in ClinVar:

ClinVar aggregate classification (germline): Pathogenic. Review status: criteria provided, multiple submitters, no conflicts (2 of 4 stars). 2 submissions from 2 submitters: Pathogenic (2). Last evaluated 2026-01-18.

Conditions:
Cardiovascular phenotype. Identifiers: MedGen CN230736.
Hereditary cancer-predisposing syndrome. Also called: Tumor predisposition; Hereditary Cancer Syndrome; Neoplastic Syndromes, Hereditary; Hereditary neoplastic syndrome. Identifiers: Orphanet 140162, MedGen C0027672, MeSH D009386, MONDO:0015356.
Neurofibromatosis, type 1 (NF1). Also called: VON RECKLINGHAUSEN DISEASE; Peripheral type neurofibromatosis; Neurofibromatosis, type I; NEUROFIBROMATOSIS, TYPE I, SOMATIC. Identifiers: Orphanet 636, MedGen C0027831, MONDO:0018975, OMIM 162200. Disease mechanism: loss of function.

Allele frequency attached by ClinVar (database versions not stated): gnomAD 0.00001.
gnomAD v4.1: 1 of 1,613,156 alleles (0.000062%); highest among the groups gnomAD compares: African/African-American, 0.0013%; no homozygotes.

Submissions (2):

Labcorp Genetics (formerly Invitae), Labcorp
Classification: Pathogenic for Neurofibromatosis, type 1. Last evaluated: 2026-01-18. Review status: criteria provided, single submitter. Criteria: Invitae Variant Classification Sherloc (09022015). Collection method: clinical testing. Allele origin: germline.
Comment: This sequence change affects codon 950 of the NF1 mRNA. It is a 'silent' change, meaning that it does not change the encoded amino acid sequence of the NF1 protein. This variant also falls at the last nucleotide of exon 21, which is part of the consensus splice site for this exon. This variant is not present in population databases (gnomAD no frequency). This variant has been observed in individual(s) with NF1-related conditions (internal data). ClinVar contains an entry for this variant (Variation ID: 215989). An algorithm developed to predict the effect of missense changes on protein structure and function (PolyPhen-2) suggests that this variant is likely to be disruptive. Variants that disrupt the consensus splice site are a relatively common cause of aberrant splicing (PMID: 17576681, 9536098). Algorithms developed to predict the effect of sequence changes on RNA splicing suggest that this variant may disrupt the consensus splice site. This variant disrupts the c.2850G nucleotide in the NF1 gene. Other variant(s) that disrupt this nucleotide have been determined to be pathogenic (PMID: 21520333, 26740943, 31717729). This suggests that this nucleotide is clinically significant, and that variants that disrupt this position are likely to be disease-causing. For these reasons, this variant has been classified as Pathogenic.

Ambry Genetics
Classification: Pathogenic for Cardiovascular phenotype; Hereditary cancer-predisposing syndrome. Last evaluated: 2023-08-18. Review status: criteria provided, single submitter. Criteria: Ambry Variant Classification Scheme 2023. Collection method: clinical testing. Allele origin: germline.
Comment: The c.2850G>C variant (also known as p.Q950H), located in coding exon 21 of the NF1 gene, results from a G to C substitution at nucleotide position 2850. The amino acid change results in glutamine to histidine at codon 950, an amino acid with highly similar properties. However, this change occurs in the last base pair of coding exon 21, which makes it likely to have some effect on normal mRNA splicing. This nucleotide position is highly conserved in available vertebrate species. In silico splice site analysis predicts that this alteration will weaken the native splice donor site and RNA studies have demonstrated that this alteration results in abnormal splicing in the set of samples tested (Ambry internal data). Another alteration impacting the same donor site (c.2850G>A) has been shown to have a similar impact on splicing in multiple individuals with a clinical or suspected diagnosis of neurofibromatosis type 1 (NF1). Based on the supporting evidence, this alteration is interpreted as a disease-causing mutation.

Literature cited by the submitters: PubMed 17576681 (cited by Labcorp Genetics (formerly Invitae), Labcorp); PubMed 9536098 (cited by Labcorp Genetics (formerly Invitae), Labcorp); PubMed 21520333 (cited by Labcorp Genetics (formerly Invitae), Labcorp); PubMed 26740943 (cited by Labcorp Genetics (formerly Invitae), Labcorp); PubMed 31717729 (cited by Labcorp Genetics (formerly Invitae), Labcorp).

NM_001042492.3(NF1):c.2850G>C (p.Gln950His)

Gene: NF1 (neurofibromin 1; plus strand). Cytogenetic location: 17q11.2.
Variant type: single nucleotide variant.
Coding change: c.2850G>C on transcript NM_001042492.3 (MANE Select); coding-DNA position 2850, G replaced by C.
Protein change: p.Gln950His; replaces glutamine 950 with histidine.
Molecular consequence: missense variant.
Genome position (GRCh38, 1-based): chr17:31,229,465, G>C. VCF-style: chr17-31229465-G-C. GRCh37 (hg19) VCF-style: chr17-29556483-G-C.
Other names: c.2850G>C, p.Gln950His (NM_000267.4); short protein forms Q950H.
Identifiers: ClinVar variation 215989 (VCV000215989.6), dbSNP rs863224446, ClinGen allele CA337604.